The following is an entry in ClinVar:

ClinVar aggregate classification (germline): Conflicting classifications of pathogenicity. Review status: criteria provided, conflicting classifications (1 of 4 stars). 2 submissions from 2 submitters: Uncertain significance (1); Likely benign (1). Last evaluated 2026-06-02.

Conditions:
Renal cell carcinoma. Identifiers: Orphanet 217071, MedGen C0007134, MeSH D002292, MONDO:0005086, HP:0005584.
Hereditary cancer-predisposing syndrome. Also called: Neoplastic Syndromes, Hereditary; Tumor predisposition; Hereditary Cancer Syndrome; Hereditary neoplastic syndrome. Identifiers: Orphanet 140162, MedGen C0027672, MeSH D009386, MONDO:0015356.

Allele frequency attached by ClinVar (database versions not stated): gnomAD exomes below 0.00001.
gnomAD v4.1: 1 of 1,613,984 alleles (0.000062%); highest among the groups gnomAD compares: South Asian, 0.0011%; no homozygotes.

Submissions (2):

Ambry Genetics
Classification: Likely benign for Hereditary cancer-predisposing syndrome. Last evaluated: 2026-06-02. Review status: criteria provided, single submitter. Criteria: Ambry Variant Classification Scheme 2023. Collection method: clinical testing. Allele origin: germline.

Labcorp Genetics (formerly Invitae), Labcorp
Classification: Uncertain significance for Renal cell carcinoma. Last evaluated: 2022-05-29. Review status: criteria provided, single submitter. Criteria: Invitae Variant Classification Sherloc (09022015). Collection method: clinical testing. Allele origin: germline.
Comment: This variant has not been reported in the literature in individuals affected with MET-related conditions. This sequence change replaces aspartic acid, which is acidic and polar, with glutamic acid, which is acidic and polar, at codon 190 of the MET protein (p.Asp190Glu). This variant is not present in population databases (gnomAD no frequency). Algorithms developed to predict the effect of missense changes on protein structure and function output the following: SIFT: "Tolerated"; PolyPhen-2: "Benign"; Align-GVGD: "Class C0". The glutamic acid amino acid residue is found in multiple mammalian species, which suggests that this missense change does not adversely affect protein function. In summary, the available evidence is currently insufficient to determine the role of this variant in disease. Therefore, it has been classified as a Variant of Uncertain Significance.

NM_000245.4(MET):c.570C>A (p.Asp190Glu)

Gene: MET (MET proto-oncogene, receptor tyrosine kinase; plus strand). Cytogenetic location: 7q31.2.
Variant type: single nucleotide variant.
Coding change: c.570C>A on transcript NM_000245.4 (MANE Select); coding-DNA position 570, C replaced by A.
Protein change: p.Asp190Glu; replaces aspartic acid 190 with glutamic acid.
Molecular consequence: missense variant. On other transcripts: intron variant (1).
Genome position (GRCh38, 1-based): chr7:116,699,654, C>A. VCF-style: chr7-116699654-C-A. GRCh37 (hg19) VCF-style: chr7-116339708-C-A.
Other names: c.570C>A, p.Asp190Glu (NM_001127500.3, NM_001324401.3); c.-91+27077C>A (NM_001324402.2); short protein forms D190E.
Identifiers: ClinVar variation 1749202 (VCV001749202.8), dbSNP rs1791490183, ClinGen allele CA368969367.